The following is an entry in ClinVar:

ClinVar aggregate classification (germline): Uncertain significance (1 of 4 stars; one submission).

Submission:

Labcorp Genetics (formerly Invitae), Labcorp
Classification: Uncertain significance. Last evaluated: 2025-03-03. Review status: criteria provided, single submitter. Criteria: Invitae Variant Classification Sherloc (09022015). Collection method: clinical testing. Allele origin: germline.
Comment: This sequence change replaces methionine, which is neutral and non-polar, with threonine, which is neutral and polar, at codon 449 of the PDE4D protein (p.Met449Thr). This variant is not present in population databases (gnomAD no frequency). This variant has not been reported in the literature in individuals affected with PDE4D-related conditions. ClinVar contains an entry for this variant (Variation ID: 2122447). Invitae Evidence Modeling of protein sequence and biophysical properties (such as structural, functional, and spatial information, amino acid conservation, physicochemical variation, residue mobility, and thermodynamic stability) indicates that this missense variant is not expected to disrupt PDE4D protein function with a negative predictive value of 80%. In summary, the available evidence is currently insufficient to determine the role of this variant in disease. Therefore, it has been classified as a Variant of Uncertain Significance.

NM_001104631.2(PDE4D):c.1346T>C (p.Met449Thr)

Gene: PDE4D (phosphodiesterase 4D; minus strand). Cytogenetic location: 5q11.2.
Variant type: single nucleotide variant.
Coding change: c.1346T>C on transcript NM_001104631.2 (MANE Select); coding-DNA position 1346, T replaced by C.
Protein change: p.Met449Thr; replaces methionine 449 with threonine.
Molecular consequence: missense variant.
Genome position (GRCh38, 1-based): chr5:58,989,861, A>G on the plus strand (T>C on the coding strand, the complement: PDE4D is on the minus strand). VCF-style: chr5-58989861-A-G. GRCh37 (hg19) VCF-style: chr5-58285688-A-G.
Other names: c.1163T>C, p.Met388Thr (NM_001165899.2, NM_001364599.1); c.1154T>C, p.Met385Thr (NM_001197218.2); c.980T>C, p.Met327Thr (NM_001197219.2); c.956T>C, p.Met319Thr (NM_001197220.2); c.440T>C, p.Met147Thr (NM_001197221.2, NM_001364603.1); c.674T>C, p.Met225Thr (NM_001197222.2); c.473T>C, p.Met158Thr (NM_001197223.2); c.1133T>C, p.Met378Thr (NM_001349241.2); and 3 more; short protein forms M319T, M378T, M158T, M225T, M327T, M388T, M449T, M147T.
Identifiers: ClinVar variation 2122447 (VCV002122447.4), dbSNP rs2479396220, ClinGen allele CA359817169.